The following is an entry in ClinVar:

ClinVar aggregate classification (germline): Uncertain significance. Review status: criteria provided, multiple submitters, no conflicts (2 of 4 stars). 3 submissions from 3 submitters: Uncertain significance (2). 1 of the submissions does not count toward it. Last evaluated 2020-12-11.

Conditions:
SLCO1B3-related disorder. Also called: SLCO1B3-related condition.
Rotor syndrome (HBLRR). Also called: HYPERBILIRUBINEMIA, ROTOR TYPE, DIGENIC; HYPERBILIRUBINEMIA, ROTOR TYPE. Identifiers: Orphanet 3111, MedGen C0220991, MONDO:0009379, OMIM 237450.

Allele frequency attached by ClinVar (database versions not stated): gnomAD exomes 0.00056; ExAC 0.00079; gnomAD 0.00230 and 0.00242; 1000 Genomes Project 0.00260; ESP Exome Variant Server 0.00261; TOPMed 0.00266; 1000 Genomes Project 30x 0.00328.
gnomAD v4.1: 642 of 1,612,072 alleles (0.04%); highest among the groups gnomAD compares: African/African-American, 0.79%; 4 homozygotes.

Submissions (3):

ARUP Laboratories, Molecular Genetics and Genomics, ARUP Laboratories
Classification: Uncertain significance for Rotor syndrome. Last evaluated: 2020-12-11. Review status: criteria provided, single submitter. Criteria: ARUP Molecular Germline Variant Investigation Process 2021. Collection method: clinical testing. Allele origin: germline.

Center for Pediatric Genomic Medicine, Children's Mercy Hospital and Clinics
Classification: Uncertain significance. Last evaluated: 2016-10-11. Review status: criteria provided, single submitter. Criteria: ACMG Guidelines, 2015. Collection method: clinical testing. Allele origin: germline.
ClinVar note: Converted during submission from Uncertain Significance to Uncertain significance.

PreventionGenetics, part of Exact Sciences
Classification: Benign for SLCO1B3-related condition. Last evaluated: 2022-02-10. Review status: no assertion criteria provided. Collection method: clinical testing. Allele origin: germline. Not counted in ClinVar's aggregate classification.
Comment: This variant is classified as benign based on ACMG/AMP sequence variant interpretation guidelines (Richards et al. 2015 PMID: 25741868, with internal and published modifications).

NM_019844.4(SLCO1B3):c.154A>G (p.Ile52Val)

Genes: SLCO1B3 (solute carrier organic anion transporter family member 1B3; plus strand), SLCO1B3-SLCO1B7 (SLCO1B3-SLCO1B7 readthrough; plus strand). Cytogenetic location: 12p12.2.
Variant type: single nucleotide variant.
Coding change: c.154A>G on transcript NM_019844.4 (MANE Select); coding-DNA position 154, A replaced by G.
Protein change: p.Ile52Val; replaces isoleucine 52 with valine.
Molecular consequence: missense variant.
Genome position (GRCh38, 1-based): chr12:20,855,097, A>G. VCF-style: chr12-20855097-A-G. GRCh37 (hg19) VCF-style: chr12-21008031-A-G.
Other names: c.70A>G, p.Ile24Val (NM_001349920.2); c.154A>G (NM_019844.3); short protein forms I52V, I24V.
Identifiers: ClinVar variation 377085 (VCV000377085.12), dbSNP rs57325543, ClinGen allele CA6475077.
Genomic context (GRCh38, chr12:20,855,097, plus strand): 5'-GCAGCCCTGTCATTCAGCTATATTGCTAAAGCACTAGGTGGAATCATTATGAAAATTTCC[A>G]TCACTCAAATAGAAAGGAGATTTGACATATCCTCTTCTCTTGCTGGTTTAATTGATGGAA-3'
Protein context (NP_062818.1, residues 42-62): ALGGIIMKIS[Ile52Val]TQIERRFDIS